The following is an entry in ClinVar:

ClinVar aggregate classification (germline): Likely pathogenic (0 of 4 stars; one submission).

Conditions:
Tay-Sachs disease (TSD). Also called: HEXA DEFICIENCY; GM2 gangliosidosis, type 1; Hexosaminidase alpha-subunit deficiency (variant B); Sphingolipidosis, Tay-Sachs; Hexosaminidase A Deficiency; HEXA Disorders. Identifiers: Orphanet 845, MedGen C0039373, MONDO:0010100, OMIM 272800.

Submission:

Foundation for Research in Genetics and Endocrinology, FRIGE's Institute of Human Genetics
Classification: Likely pathogenic for Tay-Sachs disease. Last evaluated: 2013-09-30. Review status: no assertion criteria provided. Collection method: research. Allele origin: germline. Inheritance: Autosomal recessive inheritance. Affected: yes. Observed: 1 homozygote.
Comment: Variant was found to be pathogenic by online software BDGP and ASST

NM_000520.6(HEXA):c.460-1G>A

Gene: HEXA (hexosaminidase subunit alpha; minus strand). Cytogenetic location: 15q23.
Variant type: single nucleotide variant.
Coding change: c.460-1G>A on transcript NM_000520.6 (MANE Select); the canonical splice acceptor site of the intron before coding-DNA position 460, G replaced by A.
Molecular consequence: splice acceptor variant.
Genome position (GRCh38, 1-based): chr15:72,353,179, C>T on the plus strand (G>A on the coding strand, the complement: HEXA is on the minus strand). VCF-style: chr15-72353179-C-T. GRCh37 (hg19) VCF-style: chr15-72645520-C-T.
Other names: c.493-1G>A (NM_001318825.2).
Identifiers: ClinVar variation 375352 (VCV000375352.2), dbSNP rs764343937, ClinGen allele CA16044209.